The following is an entry in ClinVar:

ClinVar aggregate classification (germline): Uncertain significance. Review status: criteria provided, multiple submitters, no conflicts (2 of 4 stars). 2 submissions from 2 submitters: Uncertain significance (2). Last evaluated 2022-04-25.

Conditions:
Inborn genetic diseases. Identifiers: MedGen C0950123, MeSH D030342.

Allele frequency attached by ClinVar (database versions not stated): gnomAD exomes below 0.00001.
gnomAD v4.1: 3 of 1,614,112 alleles (0.00019%); highest among the groups gnomAD compares: African/African-American, 0.0013%; no homozygotes.

Submissions (2):

GeneDx
Classification: Uncertain significance. Last evaluated: 2022-04-25. Review status: criteria provided, single submitter. Criteria: GeneDx Variant Classification Process June 2021. Collection method: clinical testing. Allele origin: germline. Affected: yes.
Comment: Not observed at significant frequency in large population cohorts (gnomAD); In silico analysis supports that this missense variant has a deleterious effect on protein structure/function; Has not been previously published as pathogenic or benign to our knowledge

Ambry Genetics
Classification: Uncertain significance for Inborn genetic diseases. Last evaluated: 2021-09-27. Review status: criteria provided, single submitter. Criteria: Ambry Variant Classification Scheme 2023. Collection method: clinical testing. Allele origin: germline.

NM_005221.6(DLX5):c.89C>T (p.Pro30Leu)

Gene: DLX5 (distal-less homeobox 5; minus strand). Cytogenetic location: 7q21.3.
Variant type: single nucleotide variant.
Coding change: c.89C>T on transcript NM_005221.6 (MANE Select); coding-DNA position 89, C replaced by T.
Protein change: p.Pro30Leu; replaces proline 30 with leucine.
Molecular consequence: missense variant.
Genome position (GRCh38, 1-based): chr7:97,024,535, G>A on the plus strand (C>T on the coding strand, the complement: DLX5 is on the minus strand). VCF-style: chr7-97024535-G-A. GRCh37 (hg19) VCF-style: chr7-96653847-G-A.
Other names: short protein forms P30L.
Identifiers: ClinVar variation 1712882 (VCV001712882.5), dbSNP rs1351019836, ClinGen allele CA368262536.